The following is an entry in ClinVar:

NM_001429.4(EP300):c.7070_7096dup (p.Asn2357_Ala2365dup)

Gene: EP300 (EP300 lysine acetyltransferase; plus strand). Cytogenetic location: 22q13.2.
Variant type: Duplication.
Coding change: c.7070_7096dup on transcript NM_001429.4 (MANE Select); coding-DNA positions 7070 to 7096, 27 bases duplicated (ACCCCATGGAACAAGGGCATTTTGCCA).
Protein change: p.Asn2357_Ala2365dup.
Molecular consequence: inframe insertion.
Genome position (GRCh38, 1-based): chr22:41,178,781-41,178,807, ACCCCATGGAACAAGGGCATTTTGCCA duplicated; duplicating any 27 consecutive bases within chr22:41,178,777-41,178,807 gives the same sequence; the c. name uses the placement nearest the transcript's 3' end. VCF-style (leftmost placement, unchanged base first): chr22-41178776-G-GGCCAACCCCATGGAACAAGGGCATTTT. GRCh37 (hg19) VCF-style: chr22-41574780-G-GGCCAACCCCATGGAACAAGGGCATTTT.
Other names: c.6992_7018dup, p.Asn2331_Ala2339dup (NM_001362843.2).
Identifiers: ClinVar variation 976134 (VCV000976134.6), dbSNP rs2059220245, ClinGen allele CA1025846432.

ClinVar aggregate classification (germline): Uncertain significance. Review status: criteria provided, multiple submitters, no conflicts (2 of 4 stars). 2 submissions from 2 submitters: Uncertain significance (2). Last evaluated 2023-08-04.

Conditions:
Rubinstein-Taybi syndrome due to EP300 haploinsufficiency. Also called: EP300-Related Rubinstein-Taybi Syndrome; RUBINSTEIN-TAYBI SYNDROME 2. Identifiers: Orphanet 353284, Orphanet 783, MedGen C3150941, MONDO:0013364, OMIM 613684.

Submissions (2):

Labcorp Genetics (formerly Invitae), Labcorp
Classification: Uncertain significance for Rubinstein-Taybi syndrome due to EP300 haploinsufficiency. Last evaluated: 2023-08-04. Review status: criteria provided, single submitter. Criteria: Invitae Variant Classification Sherloc (09022015). Collection method: clinical testing. Allele origin: germline.
Comment: This variant, c.7070_7096dup, results in the insertion of 9 amino acid(s) of the EP300 protein (p.Asn2357_Ala2365dup), but otherwise preserves the integrity of the reading frame. This variant is not present in population databases (gnomAD no frequency). In summary, the available evidence is currently insufficient to determine the role of this variant in disease. Therefore, it has been classified as a Variant of Uncertain Significance. This variant has not been reported in the literature in individuals affected with EP300-related conditions. ClinVar contains an entry for this variant (Variation ID: 976134).

Institute of Human Genetics, University of Leipzig Medical Center
Classification: Uncertain significance for Rubinstein-Taybi syndrome due to EP300 haploinsufficiency. Last evaluated: 2018-08-14. Review status: criteria provided, single submitter. Criteria: ACMG Guidelines, 2015. Collection method: clinical testing. Allele origin: germline. Affected: yes. Observed: 1 variant allele.